The following is an entry in ClinVar:

ClinVar aggregate classification (germline): Uncertain significance (1 of 4 stars; one submission).

Conditions:
Inborn genetic diseases. Identifiers: MedGen C0950123, MeSH D030342.

gnomAD v4.1: 5 of 1,314,324 alleles (0.00038%); highest among the groups gnomAD compares: Non-Finnish European, 0.00039%; no homozygotes.

Submission:

Ambry Genetics
Classification: Uncertain significance for Inborn genetic diseases. Last evaluated: 2026-07-24. Review status: criteria provided, single submitter. Criteria: Ambry Variant Classification Scheme 2023. Collection method: clinical testing. Allele origin: germline.
Comment: The p.G54D variant (also known as c.161G>A), located in coding exon 1 of the SMAD6 gene, results from a G to A substitution at nucleotide position 161. The glycine at codon 54 is replaced by aspartic acid, an amino acid with similar properties. This amino acid position is conserved. In addition, this alteration is predicted to be tolerated by in silico analysis. Based on the available evidence, the clinical significance of this variant remains unclear.

NM_005585.5(SMAD6):c.161G>A (p.Gly54Asp)

Gene: SMAD6 (SMAD family member 6; plus strand). Cytogenetic location: 15q22.31.
Variant type: single nucleotide variant.
Coding change: c.161G>A on transcript NM_005585.5 (MANE Select); coding-DNA position 161, G replaced by A.
Protein change: p.Gly54Asp; replaces glycine 54 with aspartic acid.
Molecular consequence: missense variant. On other transcripts: non-coding transcript variant (1).
Genome position (GRCh38, 1-based): chr15:66,703,419, G>A. VCF-style: chr15-66703419-G-A. GRCh37 (hg19) VCF-style: chr15-66995757-G-A.
Other names: short protein forms G54D.
Identifiers: ClinVar variation 5029772 (VCV005029772.1).